The following is an entry in ClinVar:

ClinVar aggregate classification (germline): Uncertain significance (1 of 4 stars; one submission).

Conditions:
Hereditary cancer-predisposing syndrome. Also called: Hereditary Cancer Syndrome; Tumor predisposition; Hereditary neoplastic syndrome; Neoplastic Syndromes, Hereditary. Identifiers: Orphanet 140162, MedGen C0027672, MeSH D009386, MONDO:0015356.

Submission:

Ambry Genetics
Classification: Uncertain significance for Hereditary cancer-predisposing syndrome. Last evaluated: 2024-05-08. Review status: criteria provided, single submitter. Criteria: Ambry Variant Classification Scheme 2023. Collection method: clinical testing. Allele origin: germline.
Comment: The p.E104D variant (also known as c.312A>T), located in coding exon 3 of the BMPR1A gene, results from an A to T substitution at nucleotide position 312. The glutamic acid at codon 104 is replaced by aspartic acid, an amino acid with highly similar properties. This amino acid position is conserved. In addition, this alteration is predicted to be deleterious by in silico analysis. Based on the available evidence, the clinical significance of this variant remains unclear.

NM_004329.3(BMPR1A):c.312A>T (p.Glu104Asp)

Gene: BMPR1A (bone morphogenetic protein receptor type 1A; plus strand). Cytogenetic location: 10q23.2.
Variant type: single nucleotide variant.
Coding change: c.312A>T on transcript NM_004329.3 (MANE Select); coding-DNA position 312, A replaced by T.
Protein change: p.Glu104Asp; replaces glutamic acid 104 with aspartic acid.
Molecular consequence: missense variant. On other transcripts: non-coding transcript variant (3).
Genome position (GRCh38, 1-based): chr10:86,892,208, A>T. VCF-style: chr10-86892208-A-T. GRCh37 (hg19) VCF-style: chr10-88651965-A-T.
Other names: c.312A>T, p.Glu104Asp (NM_001406559.1, NM_001406560.1, NM_001406561.1 and 23 more transcripts); c.228A>T, p.Glu76Asp (NM_001406584.1, NM_001406585.1, NM_001406586.1 and 2 more transcripts); short protein forms E76D, E104D.
Identifiers: ClinVar variation 3261224 (VCV003261224.1).